The following is an entry in ClinVar:

ClinVar aggregate classification (germline): Likely pathogenic (1 of 4 stars; one submission).

Submission:

GeneDx
Classification: Likely pathogenic. Last evaluated: 2024-05-22. Review status: criteria provided, single submitter. Criteria: GeneDx Variant Classification Process June 2021. Collection method: clinical testing. Allele origin: germline. Affected: yes.
Comment: Has been reported in an individuals with hypertriglyceridemia (PMID: 36476373); Not observed at significant frequency in large population cohorts (gnomAD); Nonsense variant predicted to result in protein truncation or nonsense mediated decay in a gene for which loss of function is a known mechanism of disease; This variant is associated with the following publications: (PMID: 36476373)

NM_000237.3(LPL):c.626T>G (p.Leu209Ter)

Gene: LPL (lipoprotein lipase; plus strand). Cytogenetic location: 8p21.3.
Variant type: single nucleotide variant.
Coding change: c.626T>G on transcript NM_000237.3 (MANE Select); coding-DNA position 626, T replaced by G.
Protein change: p.Leu209Ter; replaces leucine 209 with a stop codon.
Molecular consequence: nonsense.
Genome position (GRCh38, 1-based): chr8:19,954,204, T>G. VCF-style: chr8-19954204-T-G. GRCh37 (hg19) VCF-style: chr8-19811715-T-G.
Other names: short protein forms L209*.
Identifiers: ClinVar variation 4278626 (VCV004278626.1).